The following is an entry in ClinVar:

ClinVar aggregate classification (germline): Uncertain significance. Review status: criteria provided, multiple submitters, no conflicts (2 of 4 stars). 2 submissions from 2 submitters: Uncertain significance (2). Last evaluated 2025-08-07.

Conditions:
Inborn genetic diseases. Identifiers: MedGen C0950123, MeSH D030342.

Allele frequency attached by ClinVar (database versions not stated): gnomAD exomes 0.00001 and 0.00004; TOPMed 0.00002; ExAC 0.00003.
gnomAD v4.1: 11 of 1,614,106 alleles (0.00068%); highest among the groups gnomAD compares: Admixed American, 0.015%; no homozygotes.

Submissions (2):

Ambry Genetics
Classification: Uncertain significance for Inborn genetic diseases. Last evaluated: 2025-08-07. Review status: criteria provided, single submitter. Criteria: Ambry Variant Classification Scheme 2023. Collection method: clinical testing. Allele origin: germline.

Labcorp Genetics (formerly Invitae), Labcorp
Classification: Uncertain significance. Last evaluated: 2024-10-25. Review status: criteria provided, single submitter. Criteria: Invitae Variant Classification Sherloc (09022015). Collection method: clinical testing. Allele origin: germline.
Comment: This sequence change replaces valine, which is neutral and non-polar, with alanine, which is neutral and non-polar, at codon 201 of the EIF2B1 protein (p.Val201Ala). This variant is present in population databases (rs768777106, gnomAD 0.03%). This variant has not been reported in the literature in individuals affected with EIF2B1-related conditions. ClinVar contains an entry for this variant (Variation ID: 1373531). Invitae Evidence Modeling of protein sequence and biophysical properties (such as structural, functional, and spatial information, amino acid conservation, physicochemical variation, residue mobility, and thermodynamic stability) indicates that this missense variant is not expected to disrupt EIF2B1 protein function with a negative predictive value of 80%. In summary, the available evidence is currently insufficient to determine the role of this variant in disease. Therefore, it has been classified as a Variant of Uncertain Significance.

NM_001414.4(EIF2B1):c.602T>C (p.Val201Ala)

Gene: EIF2B1 (eukaryotic translation initiation factor 2B subunit alpha; minus strand). Cytogenetic location: 12q24.31.
Variant type: single nucleotide variant.
Coding change: c.602T>C on transcript NM_001414.4 (MANE Select); coding-DNA position 602, T replaced by C.
Protein change: p.Val201Ala; replaces valine 201 with alanine.
Molecular consequence: missense variant.
Genome position (GRCh38, 1-based): chr12:123,624,812, A>G on the plus strand (T>C on the coding strand, the complement: EIF2B1 is on the minus strand). VCF-style: chr12-123624812-A-G. GRCh37 (hg19) VCF-style: chr12-124109359-A-G.
Other names: c.602T>C (NM_001414.3); short protein forms V201A.
Identifiers: ClinVar variation 1373531 (VCV001373531.7), dbSNP rs768777106, ClinGen allele CA6860011.